The following is an entry in ClinVar:

NM_016507.4(CDK12):c.68C>T (p.Pro23Leu)

Genes: CDK12 (cyclin dependent kinase 12; plus strand), LOC126862553 (CDK7 strongly-dependent group 2 enhancer GRCh37_chr17:37618166-37619365; plus strand). Cytogenetic location: 17q12.
Variant type: single nucleotide variant.
Coding change: c.68C>T on transcript NM_016507.4 (MANE Select); coding-DNA position 68, C replaced by T.
Protein change: p.Pro23Leu; replaces proline 23 with leucine.
Molecular consequence: missense variant.
Genome position (GRCh38, 1-based): chr17:39,462,139, C>T. VCF-style: chr17-39462139-C-T. GRCh37 (hg19) VCF-style: chr17-37618392-C-T.
Other names: c.68C>T, p.Pro23Leu (NM_015083.4); short protein forms P23L.
Identifiers: ClinVar variation 3999289 (VCV003999289.1).

ClinVar aggregate classification (germline): Uncertain significance (1 of 4 stars; one submission).

gnomAD v4.1: 2 of 1,614,044 alleles (0.00012%); highest among the groups gnomAD compares: African/African-American, 0.0013%; no homozygotes.

Submission:

Ambry Genetics
Classification: Uncertain significance. Last evaluated: 2025-03-29. Review status: criteria provided, single submitter. Criteria: Ambry Variant Classification Scheme 2023. Collection method: clinical testing. Allele origin: germline.
Comment: The p.P23L variant (also known as c.68C>T), located in coding exon 1 of the CDK12 gene, results from a C to T substitution at nucleotide position 68. The proline at codon 23 is replaced by leucine, an amino acid with similar properties. This amino acid position is conserved. In addition, this alteration is predicted to be tolerated by in silico analysis. Based on the available evidence, the clinical significance of this variant remains unclear.